The following is an entry in ClinVar:

NM_001042492.3(NF1):c.1298A>T (p.Tyr433Phe)

Gene: NF1 (neurofibromin 1; plus strand). Cytogenetic location: 17q11.2.
Variant type: single nucleotide variant.
Coding change: c.1298A>T on transcript NM_001042492.3 (MANE Select); coding-DNA position 1298, A replaced by T.
Protein change: p.Tyr433Phe; replaces tyrosine 433 with phenylalanine.
Molecular consequence: missense variant.
Genome position (GRCh38, 1-based): chr17:31,206,277, A>T. VCF-style: chr17-31206277-A-T. GRCh37 (hg19) VCF-style: chr17-29533295-A-T.
Other names: c.1298A>T, p.Tyr433Phe (NM_000267.4, NM_001128147.3); short protein forms Y433F.
Identifiers: ClinVar variation 1769263 (VCV001769263.2), dbSNP rs2143914075, ClinGen allele CA398999285.
Genomic context (GRCh38, chr17:31,206,277, plus strand): 5'-TATTGGTCTTTGTTTTTCTCTAGTCCGCATTGGATTGGTGGCCTAAGATTGATGCTGTGT[A>T]TTGTCACTCGGTTGAACTTCGAAATATGTTTGGTGAAACACTTCATAAAGCAGTGCAAGG-3'
Protein context (NP_001035957.1, residues 423-443): LDWWPKIDAV[Tyr433Phe]CHSVELRNMF

ClinVar aggregate classification (germline): Uncertain significance (1 of 4 stars; one submission).

Conditions:
Cardiovascular phenotype. Identifiers: MedGen CN230736.
Hereditary cancer-predisposing syndrome. Also called: Hereditary Cancer Syndrome; Hereditary neoplastic syndrome; Neoplastic Syndromes, Hereditary; Tumor predisposition. Identifiers: Orphanet 140162, MedGen C0027672, MeSH D009386, MONDO:0015356.

Submission:

Ambry Genetics
Classification: Uncertain significance for Cardiovascular phenotype; Hereditary cancer-predisposing syndrome. Last evaluated: 2022-06-03. Review status: criteria provided, single submitter. Criteria: Ambry Variant Classification Scheme 2023. Collection method: clinical testing. Allele origin: germline.
Comment: The p.Y433F variant (also known as c.1298A>T), located in coding exon 12 of the NF1 gene, results from an A to T substitution at nucleotide position 1298. The tyrosine at codon 433 is replaced by phenylalanine, an amino acid with highly similar properties. This amino acid position is conserved. In addition, the in silico prediction for this alteration is inconclusive. Since supporting evidence is limited at this time, the clinical significance of this alteration remains unclear.